The following is an entry in ClinVar:

NM_018671.5(UNC45A):c.1437C>T (p.Val479=)

Gene: UNC45A (unc-45 myosin chaperone A; plus strand). Cytogenetic location: 15q26.1.
Variant type: single nucleotide variant.
Coding change: c.1437C>T on transcript NM_018671.5 (MANE Select); coding-DNA position 1437, C replaced by T.
Protein change: p.Val479=; no amino-acid change (valine 479 retained).
Molecular consequence: synonymous variant.
Genome position (GRCh38, 1-based): chr15:90,946,851, C>T. VCF-style: chr15-90946851-C-T. GRCh37 (hg19) VCF-style: chr15-91490081-C-T.
Other names: c.1392C>T, p.Val464= (NM_001039675.2, NM_001323621.2); c.1437C>T, p.Val479= (NM_001323619.1); c.1002C>T, p.Val334= (NM_001323620.2).
Identifiers: ClinVar variation 1104615 (VCV001104615.11), dbSNP rs142529257, ClinGen allele CA7742899.

ClinVar aggregate classification (germline): Likely benign. Review status: criteria provided, multiple submitters, no conflicts (2 of 4 stars). 3 submissions from 3 submitters: Likely benign (3). Last evaluated 2026-01-21.

Conditions:
UNC45A-related disorder. Also called: UNC45A-related condition.

Allele frequency attached by ClinVar (database versions not stated): ESP Exome Variant Server 0.00008; TOPMed 0.00049; 1000 Genomes Project 0.00060; 1000 Genomes Project 30x 0.00078.
gnomAD v4.1: 169 of 1,614,092 alleles (0.01%); highest among the groups gnomAD compares: Admixed American, 0.15%; no homozygotes.

Submissions (3):

Labcorp Genetics (formerly Invitae), Labcorp
Classification: Likely benign. Last evaluated: 2026-01-21. Review status: criteria provided, single submitter. Criteria: Invitae Variant Classification Sherloc (09022015). Collection method: clinical testing. Allele origin: germline.

PreventionGenetics, part of Exact Sciences
Classification: Likely benign for UNC45A-related condition. Last evaluated: 2026-01-11. Review status: criteria provided, single submitter. Criteria: ACMG Guidelines, 2015. Collection method: clinical testing. Allele origin: germline.
Comment: This variant is classified as likely benign based on ACMG/AMP sequence variant interpretation guidelines (Richards et al. 2015 PMID: 25741868, with internal and published modifications).

Blueprint Genetics
Classification: Likely benign. Last evaluated: 2024-07-29. Review status: criteria provided, single submitter. Criteria: ACMG Guidelines, 2015. Collection method: clinical testing. Allele origin: germline.